The following is an entry in ClinVar:

ClinVar aggregate classification (germline): Uncertain significance (1 of 4 stars; one submission).

Conditions:
DICER1-related tumor predisposition. Also called: DICER1-related pleuropulmonary blastoma cancer predisposition syndrome; DICER1 syndrome. Identifiers: Orphanet 284343, MedGen C3839822, MONDO:0100216.

Allele frequency attached by ClinVar (database versions not stated): gnomAD exomes below 0.00001.
gnomAD v4.1: 1 of 1,613,008 alleles (0.000062%); highest among the groups gnomAD compares: African/African-American, 0.0013%; no homozygotes.

Submission:

Labcorp Genetics (formerly Invitae), Labcorp
Classification: Uncertain significance for DICER1-related tumor predisposition. Last evaluated: 2023-11-14. Review status: criteria provided, single submitter. Criteria: Invitae Variant Classification Sherloc (09022015). Collection method: clinical testing. Allele origin: germline.
Comment: This sequence change falls in intron 4 of the DICER1 gene. It does not directly change the encoded amino acid sequence of the DICER1 protein. It affects a nucleotide within the consensus splice site. This variant is not present in population databases (gnomAD no frequency). This variant has not been reported in the literature in individuals affected with DICER1-related conditions. ClinVar contains an entry for this variant (Variation ID: 543573). Variants that disrupt the consensus splice site are a relatively common cause of aberrant splicing (PMID: 17576681, 9536098). Algorithms developed to predict the effect of sequence changes on RNA splicing suggest that this variant is not likely to affect RNA splicing. In summary, the available evidence is currently insufficient to determine the role of this variant in disease. Therefore, it has been classified as a Variant of Uncertain Significance.

Literature cited by the submitters: PubMed 17576681; PubMed 9536098.

NM_177438.3(DICER1):c.438+6A>C

Gene: DICER1 (dicer 1, ribonuclease III; minus strand). Cytogenetic location: 14q32.13.
Variant type: single nucleotide variant.
Coding change: c.438+6A>C on transcript NM_177438.3 (MANE Select); 6 bases into the intron after coding-DNA position 438, A replaced by C.
Molecular consequence: intron variant.
Genome position (GRCh38, 1-based): chr14:95,131,503, T>G on the plus strand (A>C on the coding strand, the complement: DICER1 is on the minus strand). VCF-style: chr14-95131503-T-G. GRCh37 (hg19) VCF-style: chr14-95597840-T-G.
Other names: c.438+6A>C (NM_001291628.2, NM_030621.4, NM_001271282.3 and 1 more transcripts).
Identifiers: ClinVar variation 543573 (VCV000543573.12), dbSNP rs1555376154, ClinGen allele CA658798261.